The following is an entry in ClinVar:

ClinVar aggregate classification (germline): Uncertain significance (1 of 4 stars; one submission).

Conditions:
Methylmalonic acidemia with homocystinuria, type cblX (MAHCX). Also called: INTELLECTUAL DEVELOPMENTAL DISORDER, X-LINKED 3. Identifiers: Orphanet 369962, MedGen C0796208, MONDO:0010657, OMIM 309541.

Allele frequency attached by ClinVar (database versions not stated): gnomAD exomes below 0.00001; TOPMed 0.00001.
gnomAD v4.1: 2 of 1,159,698 alleles (0.00017%); highest among the groups gnomAD compares: Non-Finnish European, 0.00023%; no homozygotes.

Submission:

Labcorp Genetics (formerly Invitae), Labcorp
Classification: Uncertain significance for Methylmalonic acidemia with homocystinuria, type cblX. Last evaluated: 2022-04-20. Review status: criteria provided, single submitter. Criteria: Invitae Variant Classification Sherloc (09022015). Collection method: clinical testing. Allele origin: germline.
Comment: This sequence change replaces proline, which is neutral and non-polar, with leucine, which is neutral and non-polar, at codon 1195 of the HCFC1 protein (p.Pro1195Leu). This variant is not present in population databases (gnomAD no frequency). This variant has not been reported in the literature in individuals affected with HCFC1-related conditions. Algorithms developed to predict the effect of missense changes on protein structure and function are either unavailable or do not agree on the potential impact of this missense change (SIFT: "Deleterious"; PolyPhen-2: "Possibly Damaging"; Align-GVGD: "Class C0"). In summary, the available evidence is currently insufficient to determine the role of this variant in disease. Therefore, it has been classified as a Variant of Uncertain Significance.

NM_005334.3(HCFC1):c.3584C>T (p.Pro1195Leu)

Gene: HCFC1 (host cell factor C1; minus strand). Cytogenetic location: Xq28.
Variant type: single nucleotide variant.
Coding change: c.3584C>T on transcript NM_005334.3 (MANE Select); coding-DNA position 3584, C replaced by T.
Protein change: p.Pro1195Leu; replaces proline 1195 with leucine.
Molecular consequence: missense variant.
Genome position (GRCh38, 1-based): chrX:153,954,815, G>A on the plus strand (C>T on the coding strand, the complement: HCFC1 is on the minus strand). VCF-style: chrX-153954815-G-A. GRCh37 (hg19) VCF-style: chrX-153220266-G-A.
Other names: c.3584C>T, p.Pro1195Leu (NM_001410705.1); short protein forms P1195L.
Identifiers: ClinVar variation 2127734 (VCV002127734.1), dbSNP rs868934897, ClinGen allele CA415122894.